The following is an entry in ClinVar:

NM_003872.3(NRP2):c.2196G>A (p.Val732=)

Gene: NRP2 (neuropilin 2; plus strand). Cytogenetic location: 2q33.3.
Variant type: single nucleotide variant.
Coding change: c.2196G>A on transcript NM_003872.3 (MANE Select); coding-DNA position 2196, G replaced by A.
Protein change: p.Val732=; no amino-acid change (valine 732 retained).
Molecular consequence: synonymous variant.
Genome position (GRCh38, 1-based): chr2:205,763,825, G>A. VCF-style: chr2-205763825-G-A. GRCh37 (hg19) VCF-style: chr2-206628549-G-A.
Other names: c.2196G>A, p.Val732= (NM_018534.4, NM_201266.2, NM_201267.2 and 1 more transcripts).
Identifiers: ClinVar variation 3353553 (VCV003353553.1).

ClinVar aggregate classification (germline): Likely benign (0 of 4 stars; one submission).

Conditions:
NRP2-related disorder. Also called: NRP2-related condition.

gnomAD v4.1: 2 of 1,614,102 alleles (0.00012%); highest among the groups gnomAD compares: Non-Finnish European, 0.00017%; no homozygotes.

Submission:

PreventionGenetics, part of Exact Sciences
Classification: Likely benign for NRP2-related condition. Last evaluated: 2022-11-30. Review status: no assertion criteria provided. Collection method: clinical testing. Allele origin: germline.
Comment: This variant is classified as likely benign based on ACMG/AMP sequence variant interpretation guidelines (Richards et al. 2015 PMID: 25741868, with internal and published modifications).